The following is an entry in ClinVar:

NM_002474.3(MYH11):c.4174G>C (p.Glu1392Gln)

Genes: NDE1 (nudE neurodevelopment protein 1; plus strand), MYH11 (myosin heavy chain 11; minus strand). Cytogenetic location: 16p13.11.
Variant type: single nucleotide variant.
Coding change: c.4174G>C on transcript NM_002474.3 (MANE Select); coding-DNA position 4174, G replaced by C.
Protein change: p.Glu1392Gln; replaces glutamic acid 1392 with glutamine.
Molecular consequence: missense variant. On other transcripts: 3 prime UTR variant (2).
Genome position (GRCh38, 1-based): chr16:15,724,352, C>G on the plus strand (G>C on the coding strand, the complement: MYH11 is on the minus strand). VCF-style: chr16-15724352-C-G. GRCh37 (hg19) VCF-style: chr16-15818209-C-G.
Other names: c.4195G>C, p.Glu1399Gln (NM_001040113.2, NM_001040114.2); c.4174G>C, p.Glu1392Gln (NM_022844.3); c.*101C>G (NM_001143979.2, NM_017668.3); short protein forms E1392Q, E1399Q.
Identifiers: ClinVar variation 2714018 (VCV002714018.3), dbSNP rs2040638916, ClinGen allele CA394857432.
Genomic context (GRCh38, chr16:15,724,352, plus strand): 5'-CCTTCTCCTCGTACTGCTGGGTGAGGTTCTCGATCTCCTTCTGGAACCTCTTCTTCCCCT[C>G]TTCCAGAGCTTCCACGGTGCTGGCAAAGTCCTGCAGCTTCTTCTTCGAGTCGGAGAGCTA-3'
Protein context (NP_002465.1, residues 1382-1402): DFASTVEALE[Glu1392Gln]GKKRFQKEIE

ClinVar aggregate classification (germline): Uncertain significance (1 of 4 stars; one submission).

Conditions:
Aortic aneurysm, familial thoracic 4 (AAT4). Also called: AORTIC ANEURYSM/AORTIC DISSECTION AND PATENT DUCTUS ARTERIOSUS. Identifiers: MedGen C1851504, MONDO:0007568, OMIM 132900.

Submission:

Labcorp Genetics (formerly Invitae), Labcorp
Classification: Uncertain significance for Aortic aneurysm, familial thoracic 4. Last evaluated: 2024-01-29. Review status: criteria provided, single submitter. Criteria: Invitae Variant Classification Sherloc (09022015). Collection method: clinical testing. Allele origin: germline.
Comment: This sequence change replaces glutamic acid, which is acidic and polar, with glutamine, which is neutral and polar, at codon 1399 of the MYH11 protein (p.Glu1399Gln). This variant is not present in population databases (gnomAD no frequency). This variant has not been reported in the literature in individuals affected with MYH11-related conditions. Advanced modeling of protein sequence and biophysical properties (such as structural, functional, and spatial information, amino acid conservation, physicochemical variation, residue mobility, and thermodynamic stability) performed at Invitae indicates that this missense variant is not expected to disrupt MYH11 protein function with a negative predictive value of 95%. In summary, the available evidence is currently insufficient to determine the role of this variant in disease. Therefore, it has been classified as a Variant of Uncertain Significance.